The following is an entry in ClinVar:

ClinVar aggregate classification (germline): Conflicting classifications of pathogenicity. Review status: criteria provided, conflicting classifications (1 of 4 stars). 4 submissions from 4 submitters: Uncertain significance (2); Likely benign (2). Last evaluated 2025-05-19.

Conditions:
Developmental delay, hypotonia, musculoskeletal defects, and behavioral abnormalities. Identifiers: MedGen C5562012, MONDO:0859202, OMIM 619595.
Floating-Harbor syndrome (FLHS). Also called: SRCAP-Related Floating-Harbor Syndrome; Short stature with delayed bone age, expressive language delay, a triangular face with a prominent nose and deep-set eyes; Pelletier-Leisti syndrome. Identifiers: Orphanet 2044, MedGen C0729582, MONDO:0007621, OMIM 136140.
SRCAP-related disorder. Also called: SRCAP-related condition.

Allele frequency attached by ClinVar (database versions not stated): ExAC 0.00002; gnomAD exomes 0.00002; gnomAD 0.00008; ESP Exome Variant Server 0.00015.
gnomAD v4.1: 34 of 1,613,368 alleles (0.0021%); highest among the groups gnomAD compares: African/African-American, 0.033%; no homozygotes.

Submissions (4):

Women's Health and Genetics/Laboratory Corporation of America, LabCorp
Classification: Uncertain significance. Last evaluated: 2025-05-19. Review status: criteria provided, single submitter. Criteria: LabCorp Variant Classification Summary - May 2015. Collection method: clinical testing. Allele origin: germline.
Comment: Variant summary: SRCAP c.1507C>T (p.Arg503Trp) results in a non-conservative amino acid change in the encoded protein sequence. Algorithms developed to predict the effect of missense changes on protein structure and function are either unavailable or do not agree on the potential impact of this missense change. The variant allele was found at a frequency of 2.4e-05 in 251008 control chromosomes. The available data on variant occurrences in the general population are insufficient to allow any conclusion about variant significance. To our knowledge, no occurrence of c.1507C>T in individuals affected with Floating-Harbor Syndrome and no experimental evidence demonstrating its impact on protein function have been reported. ClinVar contains an entry for this variant (Variation ID: 2710713). Based on the evidence outlined above, the variant was classified as uncertain significance.

PreventionGenetics, part of Exact Sciences
Classification: Likely benign for SRCAP-related condition. Last evaluated: 2025-03-17. Review status: criteria provided, single submitter. Criteria: ACMG Guidelines, 2015. Collection method: clinical testing. Allele origin: germline.
Comment: This variant is classified as likely benign based on ACMG/AMP sequence variant interpretation guidelines (Richards et al. 2015 PMID: 25741868, with internal and published modifications).

Fulgent Genetics
Classification: Likely benign for Floating-Harbor syndrome; Developmental delay, hypotonia, musculoskeletal defects, and behavioral abnormalities. Last evaluated: 2024-06-11. Review status: criteria provided, single submitter. Criteria: ACMG Guidelines, 2015. Collection method: clinical testing. Allele origin: germline.

Labcorp Genetics (formerly Invitae), Labcorp
Classification: Uncertain significance. Last evaluated: 2023-02-22. Review status: criteria provided, single submitter. Criteria: Invitae Variant Classification Sherloc (09022015). Collection method: clinical testing. Allele origin: germline.
Comment: This variant has not been reported in the literature in individuals affected with SRCAP-related conditions. This sequence change replaces arginine, which is basic and polar, with tryptophan, which is neutral and slightly polar, at codon 503 of the SRCAP protein (p.Arg503Trp). This variant is present in population databases (rs142287264, gnomAD 0.01%). Advanced modeling of protein sequence and biophysical properties (such as structural, functional, and spatial information, amino acid conservation, physicochemical variation, residue mobility, and thermodynamic stability) performed at Invitae indicates that this missense variant is not expected to disrupt SRCAP protein function. In summary, the available evidence is currently insufficient to determine the role of this variant in disease. Therefore, it has been classified as a Variant of Uncertain Significance.

NM_006662.3(SRCAP):c.1507C>T (p.Arg503Trp)

Gene: SRCAP (Snf2 related CREBBP activator protein; plus strand). Cytogenetic location: 16p11.2.
Variant type: single nucleotide variant.
Coding change: c.1507C>T on transcript NM_006662.3 (MANE Select); coding-DNA position 1507, C replaced by T.
Protein change: p.Arg503Trp; replaces arginine 503 with tryptophan.
Molecular consequence: missense variant.
Genome position (GRCh38, 1-based): chr16:30,711,849, C>T. VCF-style: chr16-30711849-C-T. GRCh37 (hg19) VCF-style: chr16-30723170-C-T.
Other names: c.1507C>T (NM_006662.2); short protein forms R503W.
Identifiers: ClinVar variation 2710713 (VCV002710713.5), dbSNP rs142287264, ClinGen allele CA8011022.
Genomic context (GRCh38, chr16:30,711,849, plus strand): 5'-GGAAGAGCAGGTATGATGAGCAGTAAGCCTTGGTCTTACCCTTTAGACTCTGTGGAGGAC[C>T]GGAGTGAGGATGAGGAAGATGAACATTCAGAGGAGGAAGAAACAAGTGGAAGTTCAGCAT-3'
Protein context (NP_006653.2, residues 493-513): SSSQSDSVED[Arg503Trp]SEDEEDEHSE